The following is an entry in ClinVar:

NM_015627.3(LDLRAP1):c.12C>T (p.Leu4=)

Genes: LDLRAP1 (low density lipoprotein receptor adaptor protein 1; plus strand), LOC129929773 (ATAC-STARR-seq lymphoblastoid silent region 456; plus strand). Cytogenetic location: 1p36.11.
Variant type: single nucleotide variant.
Coding change: c.12C>T on transcript NM_015627.3 (MANE Select); coding-DNA position 12, C replaced by T.
Protein change: p.Leu4=; no amino-acid change (leucine 4 retained).
Molecular consequence: synonymous variant.
Genome position (GRCh38, 1-based): chr1:25,543,710, C>T. VCF-style: chr1-25543710-C-T. GRCh37 (hg19) VCF-style: chr1-25870201-C-T.
Identifiers: ClinVar variation 2172066 (VCV002172066.7), dbSNP rs966792999, ClinGen allele CA19669433.
Genomic context (GRCh38, chr1:25,543,710, plus strand): 5'-CCTGACGGAGTTTTGGCTGCGGCAGCGGCGGCGGCGGCCGGAGCGGGCCATGGACGCGCT[C>T]AAGTCGGCGGGGCGGGCGCTGATCCGGAGCCCCAGCTTGGCCAAGCAGAGCTGGGGGGGC-3'
Protein context (NP_056442.2, residues 1-14): MDA[Leu4=]KSAGRALIRS

ClinVar aggregate classification (germline): Likely benign. Review status: criteria provided, multiple submitters, no conflicts (2 of 4 stars). 4 submissions from 4 submitters: Likely benign (3). 1 of the submissions does not count toward it. Last evaluated 2025-10-22.

Conditions:
Cardiovascular phenotype. Identifiers: MedGen CN230736.
Familial hypercholesterolemia. Also called: Familial hypercholesterolemias; Familial hypercholesterolaemia. Identifiers: MedGen C0020445, MONDO:0005439.
Hypercholesterolemia, familial, 4 (FHCL4). Also called: HYPERCHOLESTEROLEMIA, AUTOSOMAL RECESSIVE, 1; HYPERCHOLESTEROLEMIA, AUTOSOMAL RECESSIVE, 2. Identifiers: Orphanet 391665, MedGen C1863512, MONDO:0011374, OMIM 603813.

Allele frequency attached by ClinVar (database versions not stated): TOPMed below 0.00001; gnomAD 0.00001.

Submissions (4):

Labcorp Genetics (formerly Invitae), Labcorp
Classification: Likely benign for Hypercholesterolemia, familial, 4. Last evaluated: 2025-10-22. Review status: criteria provided, single submitter. Criteria: Invitae Variant Classification Sherloc (09022015). Collection method: clinical testing. Allele origin: germline.

Ambry Genetics
Classification: Likely benign for Cardiovascular phenotype. Last evaluated: 2024-05-17. Review status: criteria provided, single submitter. Criteria: Ambry Variant Classification Scheme 2023. Collection method: clinical testing. Allele origin: germline.

GENinCode PLC
Classification: Likely benign for Hypercholesterolemia, familial, 4. Last evaluated: 2024-03-07. Review status: criteria provided, single submitter. Criteria: ACMG Guidelines, 2015. Collection method: clinical testing. Allele origin: germline.
Comment: This is a synonymous (silent) variant that is not predicted by SpliceAI to impact splicing. In addition, it occurs at a nucleotide that is not conserved. Therefore this variant has been classified as Likely Benign (BP4, BP7).

Natera, Inc.
Classification: Uncertain significance for Familial hypercholesterolemia. Last evaluated: 2025-03-27. Review status: no assertion criteria provided. Collection method: clinical testing. Allele origin: germline. Not counted in ClinVar's aggregate classification.